The following is an entry in ClinVar:

NM_006084.5(IRF9):c.412G>T (p.Val138Leu)

Gene: IRF9 (interferon regulatory factor 9; plus strand). Cytogenetic location: 14q12.
Variant type: single nucleotide variant.
Coding change: c.412G>T on transcript NM_006084.5 (MANE Select); coding-DNA position 412, G replaced by T.
Protein change: p.Val138Leu; replaces valine 138 with leucine.
Molecular consequence: missense variant.
Genome position (GRCh38, 1-based): chr14:24,163,425, G>T. VCF-style: chr14-24163425-G-T. GRCh37 (hg19) VCF-style: chr14-24632634-G-T.
Other names: c.412G>T, p.Val138Leu (NM_001385400.1, NM_001385401.1, NM_001385402.1); c.412G>T (NM_006084.4); short protein forms V138L.
Identifiers: ClinVar variation 1375616 (VCV001375616.7), dbSNP rs571189247, ClinGen allele CA7126437.

ClinVar aggregate classification (germline): Uncertain significance. Review status: criteria provided, multiple submitters, no conflicts (2 of 4 stars). 2 submissions from 2 submitters: Uncertain significance (2). Last evaluated 2026-01-11.

Allele frequency attached by ClinVar (database versions not stated): gnomAD 0.00005; gnomAD exomes 0.00005; TOPMed 0.00005; ExAC 0.00008; 1000 Genomes Project 30x 0.00016; 1000 Genomes Project 0.00020.
gnomAD v4.1: 84 of 1,614,118 alleles (0.0052%); highest among the groups gnomAD compares: Middle Eastern, 0.12%; 1 homozygote.

Submissions (2):

Labcorp Genetics (formerly Invitae), Labcorp
Classification: Uncertain significance. Last evaluated: 2026-01-11. Review status: criteria provided, single submitter. Criteria: Invitae Variant Classification Sherloc (09022015). Collection method: clinical testing. Allele origin: germline.
Comment: This sequence change replaces valine, which is neutral and non-polar, with leucine, which is neutral and non-polar, at codon 138 of the IRF9 protein (p.Val138Leu). This variant is present in population databases (rs571189247, gnomAD 0.02%). This variant has not been reported in the literature in individuals affected with IRF9-related conditions. ClinVar contains an entry for this variant (Variation ID: 1375616). An algorithm developed to predict the effect of missense changes on protein structure and function outputs the following: PolyPhen-2: "Benign". The leucine amino acid residue is found in multiple mammalian species, which suggests that this missense change does not adversely affect protein function. In summary, the available evidence is currently insufficient to determine the role of this variant in disease. Therefore, it has been classified as a Variant of Uncertain Significance.

Ambry Genetics
Classification: Uncertain significance. Last evaluated: 2021-07-09. Review status: criteria provided, single submitter. Criteria: Ambry Variant Classification Scheme 2023. Collection method: clinical testing. Allele origin: germline.